The following is an entry in ClinVar:

ClinVar aggregate classification (germline): Pathogenic (1 of 4 stars; one submission).

Conditions:
Fabry disease. Also called: ALPHA-GALACTOSIDASE A DEFICIENCY; ANDERSON-FABRY DISEASE; CERAMIDE TRIHEXOSIDASE DEFICIENCY; GLA DEFICIENCY; HEREDITARY DYSTOPIC LIPIDOSIS; Angiokeratoma corporis diffusum. Identifiers: Orphanet 324, MedGen C0002986, MONDO:0010526, OMIM 301500, HP:0001071. Disease mechanism: Fabry disease is due to inactivating mutations in the X-linked GLA gene resulting in deficiency of the enzyme Alpha Galactosidase-A., loss of function.

Submission:

Genomenon, Inc
Classification: Pathogenic for Fabry disease. Last evaluated: 2026-09-08. Review status: criteria provided, single submitter. Criteria: Genomenon Sequence Variant Interpretation Standards - Updated. Collection method: curation. Allele origin: germline. Affected: yes.
Comment: GLA p.Cys382Tyr (c.1145G>A) is a missense variant that changes the amino acid at codon 382 from Cysteine to Tyrosine. This variant has been observed in at least one proband with clinical features consistent with Fabry disease (PMID:12938095;39260623;23430826;39595144). A de novo occurrence of this variant has been observed in at least one affected individual (PMID:12938095). At least one functional study has demonstrated a substantial alteration in protein function relative to the wild-type (PMID:27657681). This variant is located in a mutational hotspot and/or important functional domain. It is absent or not present at a significant frequency in gnomAD. In silico models predict that this variant is possibly or probably damaging. In conclusion, we classify GLA p.Cys382Tyr (c.1145G>A) as a pathogenic variant.

Literature cited by the submitters: PubMed 12938095; PubMed 39260623; PubMed 23430826; PubMed 39595144; PubMed 27657681.

NM_000169.3(GLA):c.1145G>A (p.Cys382Tyr)

Genes: GLA (galactosidase alpha; minus strand), RPL36A-HNRNPH2 (RPL36A-HNRNPH2 readthrough; plus strand). Cytogenetic location: Xq22.1.
Variant type: single nucleotide variant.
Coding change: c.1145G>A on transcript NM_000169.3 (MANE Select); coding-DNA position 1145, G replaced by A.
Protein change: p.Cys382Tyr; replaces cysteine 382 with tyrosine.
Molecular consequence: missense variant. On other transcripts: non-coding transcript variant (3), intron variant (2).
Genome position (GRCh38, 1-based): chrX:101,397,954, C>T on the plus strand (G>A on the coding strand, the complement: GLA is on the minus strand). VCF-style: chrX-101397954-C-T. GRCh37 (hg19) VCF-style: chrX-100652942-C-T.
Other names: c.1268G>A, p.Cys423Tyr (NM_001406747.1); c.300+2497C>T (NM_001199973.2); c.177+6132C>T (NM_001199974.2); short protein forms C382Y, C423Y.
Identifiers: ClinVar variation 4087647 (VCV004087647.2), dbSNP rs113993943.